The following is an entry in ClinVar:

ClinVar aggregate classification (germline): Uncertain significance (1 of 4 stars; one submission).

Submission:

Ambry Genetics
Classification: Uncertain significance. Last evaluated: 2023-03-11. Review status: criteria provided, single submitter. Criteria: Ambry Variant Classification Scheme 2023. Collection method: clinical testing. Allele origin: germline.
Comment: The p.F1262Y variant (also known as c.3785T>A), located in coding exon 25 of the MYOM1 gene, results from a T to A substitution at nucleotide position 3785. The phenylalanine at codon 1262 is replaced by tyrosine, an amino acid with highly similar properties. This amino acid position is conserved. In addition, the in silico prediction for this alteration is inconclusive. Since supporting evidence is limited at this time, the clinical significance of this alteration remains unclear.

NM_003803.4(MYOM1):c.3785T>A (p.Phe1262Tyr)

Gene: MYOM1 (myomesin 1; minus strand). Cytogenetic location: 18p11.31.
Variant type: single nucleotide variant.
Coding change: c.3785T>A on transcript NM_003803.4 (MANE Select); coding-DNA position 3785, T replaced by A.
Protein change: p.Phe1262Tyr; replaces phenylalanine 1262 with tyrosine.
Molecular consequence: missense variant.
Genome position (GRCh38, 1-based): chr18:3,094,249, A>T on the plus strand (T>A on the coding strand, the complement: MYOM1 is on the minus strand). VCF-style: chr18-3094249-A-T. GRCh37 (hg19) VCF-style: chr18-3094247-A-T.
Other names: c.3497T>A, p.Phe1166Tyr (NM_019856.2); short protein forms F1262Y, F1166Y.
Identifiers: ClinVar variation 2447684 (VCV002447684.2), dbSNP rs2079267603, ClinGen allele CA401713442.